The following is an entry in ClinVar:

ClinVar aggregate classification (germline): Uncertain significance (1 of 4 stars; one submission).

Submission:

Mayo Clinic Laboratories, Mayo Clinic
Classification: Uncertain significance. Last evaluated: 2025-10-20. Review status: criteria provided, single submitter. Criteria: ACMG Guidelines, 2015. Collection method: clinical testing. Allele origin: germline. Observed: 1 variant allele.
Comment: PM1, PM2_supporting

Literature cited by the submitters: PubMed 24245781.

NM_002049.4(GATA1):c.928T>A (p.Ser310Thr)

Gene: GATA1 (GATA binding protein 1; plus strand). Cytogenetic location: Xp11.23.
Variant type: single nucleotide variant.
Coding change: c.928T>A on transcript NM_002049.4 (MANE Select); coding-DNA position 928, T replaced by A.
Protein change: p.Ser310Thr; replaces serine 310 with threonine.
Molecular consequence: missense variant.
Genome position (GRCh38, 1-based): chrX:48,793,850, T>A. VCF-style: chrX-48793850-T-A. GRCh37 (hg19) VCF-style: chrX-48652257-T-A.
Other names: p.Ser310Thr; short protein forms S310T.
Identifiers: ClinVar variation 4542485 (VCV004542485.1).